The following is an entry in ClinVar:

NM_001042492.3(NF1):c.6574T>C (p.Tyr2192His)

Gene: NF1 (neurofibromin 1; plus strand). Cytogenetic location: 17q11.2.
Variant type: single nucleotide variant.
Coding change: c.6574T>C on transcript NM_001042492.3 (MANE Select); coding-DNA position 6574, T replaced by C.
Protein change: p.Tyr2192His; replaces tyrosine 2192 with histidine.
Molecular consequence: missense variant.
Genome position (GRCh38, 1-based): chr17:31,337,514, T>C. VCF-style: chr17-31337514-T-C. GRCh37 (hg19) VCF-style: chr17-29664532-T-C.
Other names: c.6511T>C, p.Tyr2171His (NM_000267.4); short protein forms Y2171H, Y2192H.
Identifiers: ClinVar variation 826457 (VCV000826457.14), dbSNP rs267606598, ClinGen allele CA399013306.

ClinVar aggregate classification (germline): Uncertain significance. Review status: criteria provided, multiple submitters, no conflicts (2 of 4 stars). 3 submissions from 3 submitters: Uncertain significance (3). Last evaluated 2025-10-21.

Conditions:
Hereditary cancer-predisposing syndrome. Also called: Neoplastic Syndromes, Hereditary; Hereditary Cancer Syndrome; Hereditary neoplastic syndrome; Tumor predisposition. Identifiers: Orphanet 140162, MedGen C0027672, MeSH D009386, MONDO:0015356.
Cardiovascular phenotype. Identifiers: MedGen CN230736.
Neurofibromatosis, type 1 (NF1). Also called: Neurofibromatosis, type I; Peripheral type neurofibromatosis; VON RECKLINGHAUSEN DISEASE; NEUROFIBROMATOSIS, TYPE I, SOMATIC. Identifiers: Orphanet 636, MedGen C0027831, MONDO:0018975, OMIM 162200. Disease mechanism: loss of function.

Allele frequency attached by ClinVar (database versions not stated): gnomAD exomes below 0.00001.
gnomAD v4.1: 1 of 1,614,128 alleles (0.000062%); highest among the groups gnomAD compares: Non-Finnish European, 0.000085%; no homozygotes.

Submissions (3):

Ambry Genetics
Classification: Uncertain significance for Cardiovascular phenotype; Hereditary cancer-predisposing syndrome. Last evaluated: 2025-10-21. Review status: criteria provided, single submitter. Criteria: Ambry Variant Classification Scheme 2023. Collection method: clinical testing. Allele origin: germline.
Comment: The p.Y2171H variant (also known as c.6511T>C), located in coding exon 42 of the NF1 gene, results from a T to C substitution at nucleotide position 6511. The tyrosine at codon 2171 is replaced by histidine, an amino acid with similar properties. This amino acid position is highly conserved in available vertebrate species. In addition, this alteration is predicted to be tolerated by in silico analysis. Since supporting evidence is limited at this time, the clinical significance of this alteration remains unclear.

Labcorp Genetics (formerly Invitae), Labcorp
Classification: Uncertain significance for Neurofibromatosis, type 1. Last evaluated: 2022-12-13. Review status: criteria provided, single submitter. Criteria: Invitae Variant Classification Sherloc (09022015). Collection method: clinical testing. Allele origin: germline.
Comment: In summary, the available evidence is currently insufficient to determine the role of this variant in disease. Therefore, it has been classified as a Variant of Uncertain Significance. Advanced modeling of protein sequence and biophysical properties (such as structural, functional, and spatial information, amino acid conservation, physicochemical variation, residue mobility, and thermodynamic stability) performed at Invitae indicates that this missense variant is not expected to disrupt NF1 protein function. ClinVar contains an entry for this variant (Variation ID: 826457). This variant has not been reported in the literature in individuals affected with NF1-related conditions. This sequence change replaces tyrosine, which is neutral and polar, with histidine, which is basic and polar, at codon 2171 of the NF1 protein (p.Tyr2171His). This variant is present in population databases (no rsID available, gnomAD 0.0009%).

Genome-Nilou Lab
Classification: Uncertain significance for Neurofibromatosis, type 1. Last evaluated: 2022-03-15. Review status: criteria provided, single submitter. Criteria: ACMG Guidelines, 2015. Collection method: clinical testing. Allele origin: germline. Affected: no.